The following is an entry in ClinVar:

NM_004360.5(CDH1):c.2398C>T (p.Arg800Cys)

Gene: CDH1 (cadherin 1; plus strand). Cytogenetic location: 16q22.1.
Variant type: single nucleotide variant.
Coding change: c.2398C>T on transcript NM_004360.5 (MANE Select); coding-DNA position 2398, C replaced by T.
Protein change: p.Arg800Cys; replaces arginine 800 with cysteine.
Molecular consequence: missense variant.
Genome position (GRCh38, 1-based): chr16:68,829,756, C>T. VCF-style: chr16-68829756-C-T. GRCh37 (hg19) VCF-style: chr16-68863659-C-T.
Other names: c.2215C>T, p.Arg739Cys (NM_001317184.2); c.850C>T, p.Arg284Cys (NM_001317185.2); c.433C>T, p.Arg145Cys (NM_001317186.2); c.2398C>T (LRG_301t1); short protein forms R800C, R145C, R739C, R284C.
Identifiers: ClinVar variation 141990 (VCV000141990.36), dbSNP rs587782162, ClinGen allele CA167042.

ClinVar aggregate classification (germline): Uncertain significance. Review status: criteria provided, multiple submitters, no conflicts (2 of 4 stars). 11 submissions from 11 submitters: Uncertain significance (9). 2 of the submissions do not count toward it. Last evaluated 2026-01-19.

Conditions:
CDH1-related disorder. Also called: CDH1-related condition.
Familial cancer of breast. Also called: hereditary breast carcinoma; BREAST CANCER, FAMILIAL; Hereditary breast cancer. Identifiers: Orphanet 227535, MedGen C0346153, MONDO:0016419, OMIM 114480. Disease mechanism: loss of function.
Hereditary diffuse gastric adenocarcinoma (HDGC). Also called: DIFFUSE GASTRIC AND LOBULAR BREAST CANCER SYNDROME. Identifiers: Orphanet 26106, MedGen C1708349, MONDO:0007648, OMIM 137215.
Endometrial carcinoma. Also called: Endometrial carcinoma, somatic. Identifiers: MedGen C0476089, MONDO:0002447, OMIM 608089, HP:0012114.
Ovarian neoplasm. Also called: Neoplasm of ovary; Ovarian tumor; Ovarian Neoplasms. Identifiers: MedGen C0919267, MeSH D010051, MONDO:0021068, HP:0100615.
Prostate cancer. Also called: Malignant tumor of prostate. Identifiers: Orphanet 1331, MedGen C0376358, MONDO:0008315, HP:0012125.
Blepharocheilodontic syndrome 1 (BCDS1). Identifiers: Orphanet 1997, MedGen C4551988, MONDO:0054740, OMIM 119580.
Hereditary cancer-predisposing syndrome. Also called: Neoplastic Syndromes, Hereditary; Hereditary neoplastic syndrome; Hereditary Cancer Syndrome; Tumor predisposition. Identifiers: Orphanet 140162, MedGen C0027672, MeSH D009386, MONDO:0015356.

Allele frequency attached by ClinVar (database versions not stated): gnomAD 0.00001; gnomAD exomes 0.00002 and 0.00001; ExAC 0.00001; TOPMed 0.00002.
gnomAD v4.1: 26 of 1,613,944 alleles (0.0016%); highest among the groups gnomAD compares: Non-Finnish European, 0.0019%; no homozygotes.

Submissions (11):

Labcorp Genetics (formerly Invitae), Labcorp
Classification: Uncertain significance for Hereditary diffuse gastric adenocarcinoma. Last evaluated: 2026-01-19. Review status: criteria provided, single submitter. Criteria: Invitae Variant Classification Sherloc (09022015). Collection method: clinical testing. Allele origin: germline.
Comment: This sequence change replaces arginine, which is basic and polar, with cysteine, which is neutral and slightly polar, at codon 800 of the CDH1 protein (p.Arg800Cys). This variant is present in population databases (rs587782162, gnomAD 0.002%). This missense change has been observed in individual(s) with breast cancer and/or colorectal cancer (PMID: 25186627, 27978560, 29752822). ClinVar contains an entry for this variant (Variation ID: 141990). An algorithm developed to predict the effect of missense changes on protein structure and function (PolyPhen-2) suggests that this variant is likely to be disruptive. In summary, the available evidence is currently insufficient to determine the role of this variant in disease. Therefore, it has been classified as a Variant of Uncertain Significance.

Quest Diagnostics Nichols Institute San Juan Capistrano
Classification: Uncertain significance. Last evaluated: 2025-07-10. Review status: criteria provided, single submitter. Criteria: Quest Diagnostics criteria. Collection method: clinical testing. Allele origin: unknown.
Comment: The CDH1 c.2398C>T (p.Arg800Cys) variant has been reported in the published literature in individuals with a personal or family history of breast cancer (PMID: 36436516 (2023), 29752822 (2018), 25186627 (2015)) or colorectal cancer (PMID: 27978560 (2016)). In a large scale breast cancer association study, this variant was not observed in breast cancer cases but was seen in 2 reportedly healthy individuals (PMID: 33471991 (2021), see also LOVD). The frequency of this variant in the general population (Genome Aggregation Database) is uninformative in the assessment of its pathogenicity. Analysis of this variant using bioinformatics tools for the prediction of the effect of amino acid changes on protein structure and function yielded conflicting predictions that this variant is benign or damaging. Based on the available information, we are unable to determine the clinical significance of this variant.

Color Diagnostics, LLC DBA Color Health
Classification: Uncertain significance for Hereditary cancer-predisposing syndrome. Last evaluated: 2025-03-17. Review status: criteria provided, single submitter. Criteria: ACMG Guidelines, 2015. Collection method: clinical testing. Allele origin: germline.
Comment: This missense variant replaces arginine with cysteine at codon 800 of the CDH1 protein. To our knowledge, functional studies have not been reported for this variant. This variant has been reported in individuals affected with colorectal cancer (PMID: 27978560) and breast cancer (PMID: 25186627, 29752822). This variant has also been reported in unaffected individuals with a family history of breast cancer (PMID: 36436516). This variant has been detected in a breast cancer case-control meta-analysis in 0/60466 cases and 2/53461 unaffected individuals (PMID: 33471991; Leiden Open Variation Database DB-ID CDH1_000146). This variant has also been identified in 2/251410 chromosomes in the general population by the Genome Aggregation Database (gnomAD). The available evidence is insufficient to determine the role of this variant in disease conclusively. Therefore, this variant is classified as a Variant of Uncertain Significance.

GeneDx
Classification: Uncertain significance. Last evaluated: 2024-07-02. Review status: criteria provided, single submitter. Criteria: GeneDx Variant Classification Process June 2021. Collection method: clinical testing. Allele origin: germline. Affected: yes.
Comment: Not observed at significant frequency in large population cohorts (gnomAD); In silico analysis supports that this missense variant has a deleterious effect on protein structure/function; Observed in individuals with personal and/or family history of breast or colorectal cancer (PMID: 25186627, 28944238, 27978560, 29752822, 36436516); This variant is associated with the following publications: (PMID: 27978560, 28944238, 29752822, 25186627, 36436516, 15235021, 22850631)

Ambry Genetics
Classification: Uncertain significance for Hereditary cancer-predisposing syndrome. Last evaluated: 2024-06-17. Review status: criteria provided, single submitter. Criteria: Ambry Variant Classification Scheme 2023. Collection method: clinical testing. Allele origin: germline.
Comment: The p.R800C variant (also known as c.2398C>T), located in coding exon 15 of the CDH1 gene, results from a C to T substitution at nucleotide position 2398. The arginine at codon 800 is replaced by cysteine, an amino acid with highly dissimilar properties. This alteration has been reported in 1/450 patients with colorectal cancer diagnosed under the age of 50 years who underwent multi-gene panel testing (Pearlman R et al. JAMA Oncol, 2017 Apr;3:464-471). This alteration has also been reported in 1/937 consecutive Chinese breast cancer patients who underwent multi-gene panel testing (Li JY et al. Int. J. Cancer, 2019 01;144:281-289). This alteration has also been reported in two breast cancer-only families in a genotype-first study of families with CDH1 variants (Garcia-Pelaez J et al. Lancet Oncol, 2023 Jan;24:91-106). This amino acid position is highly conserved in available vertebrate species. In addition, this alteration is predicted to be deleterious by in silico analysis. Since supporting evidence is limited at this time, the clinical significance of this alteration remains unclear.

Baylor Genetics
Classification: Uncertain significance for Familial cancer of breast. Last evaluated: 2024-02-13. Review status: criteria provided, single submitter. Criteria: ACMG Guidelines, 2015. Collection method: clinical testing. Allele origin: unknown.

Myriad Genetics, Inc.
Classification: Uncertain significance for Hereditary diffuse gastric adenocarcinoma. Last evaluated: 2023-03-06. Review status: criteria provided, single submitter. Criteria: Myriad Autosomal Dominant, Autosomal Recessive and X-Linked Classification Criteria (2023). Collection method: clinical testing. Allele origin: unknown.
Comment: This variant is classified as a variant of uncertain significance as there is insufficient evidence to determine its impact on protein function and/or cancer risk.

European Reference Network on Genetic Tumour Risk Syndromes (ERN-GENTURIS), i3s - Instituto de Investigação e Inovação em Saúde, University of Porto
Classification: Uncertain significance for Hereditary diffuse gastric adenocarcinoma. Last evaluated: 2022-08-01. Review status: criteria provided, single submitter. Criteria: Lee et al. (Hum Mutat. 2018). Collection method: clinical testing. Allele origin: germline. Inheritance: Autosomal dominant inheritance. Affected: no. Study: ERN GENTURIS.
Comment: PM2; BS2_Supporting (PMID: 30311375)

Fulgent Genetics
Classification: Uncertain significance for Familial cancer of breast; Blepharocheilodontic syndrome 1; Hereditary diffuse gastric adenocarcinoma; Ovarian cancer; Familial prostate cancer; Endometrial carcinoma. Last evaluated: 2018-10-31. Review status: criteria provided, single submitter. Criteria: ACMG Guidelines, 2015. Collection method: clinical testing. Allele origin: unknown.

PreventionGenetics, part of Exact Sciences
Classification: Uncertain significance for CDH1-related condition. Last evaluated: 2024-07-22. Review status: no assertion criteria provided. Collection method: clinical testing. Allele origin: germline. Not counted in ClinVar's aggregate classification.
Comment: The CDH1 c.2398C>T variant is predicted to result in the amino acid substitution p.Arg800Cys. This variant was reported in individuals with colorectal cancer and breast cancer and in individuals with family history of breast cancer (Pearlman et al. 2017. PubMed ID: 27978560; Li et al. 2018. PubMed ID: 29752822; Garcia-Pelaez et al. 2023. PubMed ID: 36436516). This variant is reported in 0.0018% of alleles in individuals of European (Non-Finnish) descent in gnomAD. It is classified as variant of uncertain significance in ClinVar. At this time, the clinical significance of this variant is uncertain due to the absence of conclusive functional and genetic evidence.

Counsyl
Classification: Uncertain significance for Hereditary diffuse gastric adenocarcinoma. Last evaluated: 2017-11-13. Review status: no assertion criteria provided. Collection method: clinical testing. Allele origin: unknown. Not counted in ClinVar's aggregate classification.

Literature cited by the submitters: PubMed 25186627 (cited by 4 submitters); PubMed 27978560 (cited by 5 submitters); PubMed 29752822 (cited by 4 submitters); PubMed 36436516 (cited by 4 submitters); PubMed 33471991 (cited by Quest Diagnostics Nichols Institute San Juan Capistrano and Color Diagnostics, LLC DBA Color Health).